The following is an entry in ClinVar:

ClinVar aggregate classification (germline): Uncertain significance (1 of 4 stars; one submission).

Conditions:
Ehlers-Danlos syndrome, classic type, 1 (EDSCL1). Also called: Ehlers-Danlos Syndrome, Classic Type, COL5A1-Related; EHLERS-DANLOS SYNDROME, GRAVIS TYPE; EHLERS-DANLOS SYNDROME, SEVERE CLASSIC TYPE; Ehlers-Danlos syndrome, type 1; EDS I. Identifiers: MedGen C0268335, MONDO:0019567, OMIM 130000.
Osteogenesis imperfecta type I (OI1). Also called: OI, TYPE I; OSTEOGENESIS IMPERFECTA TARDA; OSTEOGENESIS IMPERFECTA WITH BLUE SCLERAE; Osteogenesis imperfecta type 1; Classic Non-deforming Osteogenesis Imperfecta with Blue Sclerae; Lobstein's Disease. Identifiers: Orphanet 216796, Orphanet 666, MedGen C0023931, MONDO:0008146, OMIM 166200. Disease mechanism: loss of function.

Submission:

Labcorp Genetics (formerly Invitae), Labcorp
Classification: Uncertain significance for Osteogenesis imperfecta type I; Ehlers-Danlos syndrome, classic type, 1. Last evaluated: 2022-01-26. Review status: criteria provided, single submitter. Criteria: Invitae Variant Classification Sherloc (09022015). Collection method: clinical testing. Allele origin: germline.
Comment: In summary, the available evidence is currently insufficient to determine the role of this variant in disease. Therefore, it has been classified as a Variant of Uncertain Significance. This variant disrupts the p.Asp1120 amino acid residue in COL1A2. Other variant(s) that disrupt this residue have been determined to be pathogenic (PMID: 27264419, 29669177; Invitae). This suggests that this residue is clinically significant, and that variants that disrupt this residue are likely to be disease-causing. Advanced modeling of protein sequence and biophysical properties (such as structural, functional, and spatial information, amino acid conservation, physicochemical variation, residue mobility, and thermodynamic stability) performed at Invitae indicates that this missense variant is not expected to disrupt COL1A2 protein function. This variant has not been reported in the literature in individuals affected with COL1A2-related conditions. This variant is not present in population databases (gnomAD no frequency). This sequence change replaces aspartic acid, which is acidic and polar, with glutamic acid, which is acidic and polar, at codon 1120 of the COL1A2 protein (p.Asp1120Glu).

Literature cited by the submitters: PubMed 27264419; PubMed 29669177.

NM_000089.4(COL1A2):c.3360C>A (p.Asp1120Glu)

Gene: COL1A2 (collagen type I alpha 2 chain; plus strand). Cytogenetic location: 7q21.3.
Variant type: single nucleotide variant.
Coding change: c.3360C>A on transcript NM_000089.4 (MANE Select); coding-DNA position 3360, C replaced by A.
Protein change: p.Asp1120Glu; replaces aspartic acid 1120 with glutamic acid.
Molecular consequence: missense variant.
Genome position (GRCh38, 1-based): chr7:94,427,719, C>A. VCF-style: chr7-94427719-C-A. GRCh37 (hg19) VCF-style: chr7-94057031-C-A.
Other names: short protein forms D1120E.
Identifiers: ClinVar variation 2166060 (VCV002166060.4), dbSNP rs1308566964, ClinGen allele CA368225808.